The following is an entry in ClinVar:

ClinVar aggregate classification (germline): Uncertain significance (1 of 4 stars; one submission).

Conditions:
Autosomal dominant childhood-onset proximal spinal muscular atrophy with contractures (SMALED2A). Also called: Spinal muscular atrophy, lower extremity-predominant, 2A, autosomal dominant; SPINAL MUSCULAR ATROPHY, LOWER EXTREMITY-PREDOMINANT, 2A, CHILDHOOD ONSET, AUTOSOMAL DOMINANT. Identifiers: Orphanet 363447, Orphanet 363454, MedGen C4747715, MONDO:0014121, OMIM 615290.

Allele frequency attached by ClinVar (database versions not stated): TOPMed 0.00001.
gnomAD v4.1: 2 of 1,613,520 alleles (0.00012%); highest among the groups gnomAD compares: African/African-American, 0.0027%; no homozygotes.

Submission:

Labcorp Genetics (formerly Invitae), Labcorp
Classification: Uncertain significance for Autosomal dominant childhood-onset proximal spinal muscular atrophy with contractures. Last evaluated: 2022-03-23. Review status: criteria provided, single submitter. Criteria: Invitae Variant Classification Sherloc (09022015). Collection method: clinical testing. Allele origin: germline.
Comment: Advanced modeling of protein sequence and biophysical properties (such as structural, functional, and spatial information, amino acid conservation, physicochemical variation, residue mobility, and thermodynamic stability) performed at Invitae indicates that this missense variant is not expected to disrupt BICD2 protein function. This sequence change replaces glycine, which is neutral and non-polar, with alanine, which is neutral and non-polar, at codon 378 of the BICD2 protein (p.Gly378Ala). This variant is not present in population databases (gnomAD no frequency). This variant has not been reported in the literature in individuals affected with BICD2-related conditions. ClinVar contains an entry for this variant (Variation ID: 1004163). In summary, the available evidence is currently insufficient to determine the role of this variant in disease. Therefore, it has been classified as a Variant of Uncertain Significance.

NM_001003800.2(BICD2):c.1133G>C (p.Gly378Ala)

Gene: BICD2 (BICD cargo adaptor 2; minus strand). Cytogenetic location: 9q22.31.
Variant type: single nucleotide variant.
Coding change: c.1133G>C on transcript NM_001003800.2 (MANE Select); coding-DNA position 1133, G replaced by C.
Protein change: p.Gly378Ala; replaces glycine 378 with alanine.
Molecular consequence: missense variant.
Genome position (GRCh38, 1-based): chr9:92,719,512, C>G on the plus strand (G>C on the coding strand, the complement: BICD2 is on the minus strand). VCF-style: chr9-92719512-C-G. GRCh37 (hg19) VCF-style: chr9-95481794-C-G.
Other names: c.1133G>C, p.Gly378Ala (NM_015250.4); short protein forms G378A.
Identifiers: ClinVar variation 1004163 (VCV001004163.9), dbSNP rs1440404997, ClinGen allele CA374040488.